The following is an entry in ClinVar:

ClinVar aggregate classification (germline): Pathogenic (1 of 4 stars; one submission).

Conditions:
Juvenile polyposis syndrome (JPS). Identifiers: Orphanet 2929, MedGen C0345893, MONDO:0017380, OMIM 174900.

Submission:

Labcorp Genetics (formerly Invitae), Labcorp
Classification: Pathogenic for Juvenile polyposis syndrome. Last evaluated: 2026-01-07. Review status: criteria provided, single submitter. Criteria: Invitae Variant Classification Sherloc (09022015). Collection method: clinical testing. Allele origin: germline.
Comment: This sequence change creates a premature translational stop signal (p.Ser357Phefs*21) in the SMAD4 gene. It is expected to result in an absent or disrupted protein product. Loss-of-function variants in SMAD4 are known to be pathogenic (PMID: 16152648, 16436638, 22810475). This variant is not present in population databases (gnomAD no frequency). This variant has not been reported in the literature in individuals affected with SMAD4-related conditions. ClinVar contains an entry for this variant (Variation ID: 657923). Algorithms developed to predict the effect of sequence changes on RNA splicing suggest that this variant may disrupt the consensus splice site. For these reasons, this variant has been classified as Pathogenic.

Literature cited by the submitters: PubMed 16152648; PubMed 16436638; PubMed 22810475.

NM_005359.6(SMAD4):c.1067dup (p.Ser357fs)

Gene: SMAD4 (SMAD family member 4; plus strand). Cytogenetic location: 18q21.2.
Variant type: Duplication.
Coding change: c.1067dup on transcript NM_005359.6 (MANE Select); coding-DNA position 1067, one base duplicated (C; older notation c.1067dupC).
Protein change: p.Ser357fs; shifts the reading frame from serine 357.
Molecular consequence: frameshift variant.
Genome position (GRCh38, 1-based): chr18:51,065,534, C duplicated; the last of 3 consecutive C bases (chr18:51,065,532-51,065,534); duplicating any one gives the same sequence. VCF-style (leftmost placement, unchanged base first): chr18-51065531-A-AC. GRCh37 (hg19) VCF-style: chr18-48591901-A-AC.
Other names: c.1067dupC (NM_005359.5); short protein forms S357fs.
Identifiers: ClinVar variation 657923 (VCV000657923.8), dbSNP rs1599195489, ClinGen allele CA915951538.